The following is an entry in ClinVar:

NM_000780.4(CYP7A1):c.189T>C (p.His63=)

Gene: CYP7A1 (cytochrome P450 family 7 subfamily A member 1; minus strand). Cytogenetic location: 8q12.1.
Variant type: single nucleotide variant.
Coding change: c.189T>C on transcript NM_000780.4 (MANE Select); coding-DNA position 189, T replaced by C.
Protein change: p.His63=; no amino-acid change (histidine 63 retained).
Molecular consequence: synonymous variant.
Genome position (GRCh38, 1-based): chr8:58,498,361, A>G on the plus strand (T>C on the coding strand, the complement: CYP7A1 is on the minus strand). VCF-style: chr8-58498361-A-G. GRCh37 (hg19) VCF-style: chr8-59410920-A-G.
Other names: c.189T>C (NM_000780.3).
Identifiers: ClinVar variation 3629231 (VCV003629231.3).

ClinVar aggregate classification (germline): Likely benign. Review status: criteria provided, multiple submitters, no conflicts (2 of 4 stars). 2 submissions from 2 submitters: Likely benign (2). Last evaluated 2025-05-14.

Conditions:
CYP7A1-related disorder. Also called: CYP7A1-related condition.

gnomAD v4.1: 11 of 1,614,046 alleles (0.00068%); highest among the groups gnomAD compares: African/African-American, 0.013%; no homozygotes.

Submissions (2):

PreventionGenetics, part of Exact Sciences
Classification: Likely benign for CYP7A1-related condition. Last evaluated: 2025-05-14. Review status: criteria provided, single submitter. Criteria: ACMG Guidelines, 2015. Collection method: clinical testing. Allele origin: germline.
Comment: This variant is classified as likely benign based on ACMG/AMP sequence variant interpretation guidelines (Richards et al. 2015 PMID: 25741868, with internal and published modifications).

Labcorp Genetics (formerly Invitae), Labcorp
Classification: Likely benign. Last evaluated: 2024-02-23. Review status: criteria provided, single submitter. Criteria: Invitae Variant Classification Sherloc (09022015). Collection method: clinical testing. Allele origin: germline.